The following is an entry in ClinVar:

ClinVar aggregate classification (germline): Uncertain significance (1 of 4 stars; one submission).

Allele frequency attached by ClinVar (database versions not stated): gnomAD exomes below 0.00001.
gnomAD v4.1: 2 of 1,609,872 alleles (0.00012%); highest among the groups gnomAD compares: Middle Eastern, 0.017%; no homozygotes.

Submission:

Labcorp Genetics (formerly Invitae), Labcorp
Classification: Uncertain significance. Last evaluated: 2022-10-13. Review status: criteria provided, single submitter. Criteria: Invitae Variant Classification Sherloc (09022015). Collection method: clinical testing. Allele origin: germline.
Comment: In summary, the available evidence is currently insufficient to determine the role of this variant in disease. Therefore, it has been classified as a Variant of Uncertain Significance. This sequence change replaces proline, which is neutral and non-polar, with threonine, which is neutral and polar, at codon 1085 of the TTLL5 protein (p.Pro1085Thr). This variant is not present in population databases (gnomAD no frequency). This variant has not been reported in the literature in individuals affected with TTLL5-related conditions. Advanced modeling of protein sequence and biophysical properties (such as structural, functional, and spatial information, amino acid conservation, physicochemical variation, residue mobility, and thermodynamic stability) performed at Invitae indicates that this missense variant is not expected to disrupt TTLL5 protein function.

NM_015072.5(TTLL5):c.3253C>A (p.Pro1085Thr)

Gene: TTLL5 (tubulin tyrosine ligase like 5; plus strand). Cytogenetic location: 14q24.3.
Variant type: single nucleotide variant.
Coding change: c.3253C>A on transcript NM_015072.5 (MANE Select); coding-DNA position 3253, C replaced by A.
Protein change: p.Pro1085Thr; replaces proline 1085 with threonine.
Molecular consequence: missense variant.
Genome position (GRCh38, 1-based): chr14:75,820,088, C>A. VCF-style: chr14-75820088-C-A. GRCh37 (hg19) VCF-style: chr14-76286431-C-A.
Other names: short protein forms P1085T.
Identifiers: ClinVar variation 1957290 (VCV001957290.3), dbSNP rs761727252, ClinGen allele CA390536558.
Genomic context (GRCh38, chr14:75,820,088, plus strand): 5'-ACTGGCATCATAAACAGAAGCAGTGCTTCAGCTCCCCCAACCCTCCGACCCATCATCAGT[C>A]CTAGTGGCCCGACATGGTCTACACAGTCAGACCCCCAAGCTCCCGAGAATCACTCCAGCT-3'
Protein context (NP_055887.3, residues 1075-1095): APPTLRPIIS[Pro1085Thr]SGPTWSTQSD